The following is an entry in ClinVar:

ClinVar aggregate classification (germline): Uncertain significance. Review status: criteria provided, multiple submitters, no conflicts (2 of 4 stars). 2 submissions from 2 submitters: Uncertain significance (2). Last evaluated 2024-09-05.

Conditions:
Combined immunodeficiency due to LRBA deficiency. Also called: Common variable immunodeficiency 8, with autoimmunity. Identifiers: Orphanet 445018, MedGen C3553512, MONDO:0013863, OMIM 614700.

gnomAD v4.1: 8 of 1,610,216 alleles (0.0005%); highest among the groups gnomAD compares: South Asian, 0.0022%; no homozygotes.

Submissions (2):

Blueprint Genetics
Classification: Uncertain significance. Last evaluated: 2024-09-05. Review status: criteria provided, single submitter. Criteria: ACMG Guidelines, 2015. Collection method: clinical testing. Allele origin: germline.

Labcorp Genetics (formerly Invitae), Labcorp
Classification: Uncertain significance for Combined immunodeficiency due to LRBA deficiency. Last evaluated: 2022-06-19. Review status: criteria provided, single submitter. Criteria: Invitae Variant Classification Sherloc (09022015). Collection method: clinical testing. Allele origin: germline.
Comment: In summary, the available evidence is currently insufficient to determine the role of this variant in disease. Therefore, it has been classified as a Variant of Uncertain Significance. Algorithms developed to predict the effect of missense changes on protein structure and function are either unavailable or do not agree on the potential impact of this missense change (SIFT: "Tolerated"; PolyPhen-2: "Probably Damaging"; Align-GVGD: "Class C0"). This variant is present in population databases (rs375622126, gnomAD 0.01%). This variant has not been reported in the literature in individuals affected with LRBA-related conditions. This sequence change replaces arginine, which is basic and polar, with glutamine, which is neutral and polar, at codon 645 of the LRBA protein (p.Arg645Gln).

NM_001364905.1(LRBA):c.1934G>A (p.Arg645Gln)

Gene: LRBA (LPS responsive beige-like anchor protein; minus strand). Cytogenetic location: 4q31.3.
Variant type: single nucleotide variant.
Coding change: c.1934G>A on transcript NM_001364905.1 (MANE Select); coding-DNA position 1934, G replaced by A.
Protein change: p.Arg645Gln; replaces arginine 645 with glutamine.
Molecular consequence: missense variant.
Genome position (GRCh38, 1-based): chr4:150,897,809, C>T on the plus strand (G>A on the coding strand, the complement: LRBA is on the minus strand). VCF-style: chr4-150897809-C-T. GRCh37 (hg19) VCF-style: chr4-151818961-C-T.
Other names: c.1934G>A, p.Arg645Gln (NM_001199282.3, NM_001367550.1, NM_006726.5); short protein forms R645Q.
Identifiers: ClinVar variation 1898501 (VCV001898501.6), dbSNP rs375622126, ClinGen allele CA3103421.